The following is an entry in ClinVar:

NM_003793.4(CTSF):c.1339T>G (p.Trp447Gly)

Gene: CTSF (cathepsin F; minus strand). Cytogenetic location: 11q13.2.
Variant type: single nucleotide variant.
Coding change: c.1339T>G on transcript NM_003793.4 (MANE Select); coding-DNA position 1339, T replaced by G.
Protein change: p.Trp447Gly; replaces tryptophan 447 with glycine.
Molecular consequence: missense variant.
Genome position (GRCh38, 1-based): chr11:66,564,129, A>C on the plus strand (T>G on the coding strand, the complement: CTSF is on the minus strand). VCF-style: chr11-66564129-A-C. GRCh37 (hg19) VCF-style: chr11-66331600-A-C.
Other names: short protein forms W447G.
Identifiers: ClinVar variation 5009223 (VCV005009223.1).

ClinVar aggregate classification (germline): Uncertain significance (1 of 4 stars; one submission).

Submission:

GeneDx
Classification: Uncertain significance. Last evaluated: 2026-03-16. Review status: criteria provided, single submitter. Criteria: GeneDx Variant Classification Process June 2021. Collection method: clinical testing. Allele origin: germline.
Comment: Not observed at significant frequency in large population cohorts (gnomAD); In silico analysis supports that this missense variant has a deleterious effect on protein structure/function; Has not been previously published as pathogenic or benign to our knowledge